The following is an entry in ClinVar:

NM_001077418.3(TMEM231):c.247T>G (p.Trp83Gly)

Gene: TMEM231 (transmembrane protein 231; minus strand). Cytogenetic location: 16q23.1.
Variant type: single nucleotide variant.
Coding change: c.247T>G on transcript NM_001077418.3 (MANE Select); coding-DNA position 247, T replaced by G.
Protein change: p.Trp83Gly; replaces tryptophan 83 with glycine.
Molecular consequence: missense variant. On other transcripts: non-coding transcript variant (1).
Genome position (GRCh38, 1-based): chr16:75,555,866, A>C on the plus strand (T>G on the coding strand, the complement: TMEM231 is on the minus strand). VCF-style: chr16-75555866-A-C. GRCh37 (hg19) VCF-style: chr16-75589764-A-C.
Other names: c.406T>G, p.Trp136Gly (NM_001077416.2); short protein forms W136G, W83G.
Identifiers: ClinVar variation 1005050 (VCV001005050.9), dbSNP rs774091057, ClinGen allele CA8176252.

ClinVar aggregate classification (germline): Likely pathogenic. Review status: criteria provided, multiple submitters, no conflicts (2 of 4 stars). 2 submissions from 2 submitters: Likely pathogenic (2). Last evaluated 2024-03-08.

Conditions:
Joubert syndrome 20 (JBTS20). Identifiers: Orphanet 475, MedGen C3554235, MONDO:0013994, OMIM 614970.
Meckel syndrome, type 11 (MKS11). Identifiers: Orphanet 564, MedGen C3809352, MONDO:0014164, OMIM 615397.

Allele frequency attached by ClinVar (database versions not stated): TOPMed 0.00001; gnomAD 0.00002; gnomAD exomes 0.00002; ExAC 0.00005.
gnomAD v4.1: 9 of 1,588,990 alleles (0.00057%); highest among the groups gnomAD compares: African/African-American, 0.0027%; no homozygotes.

Submissions (2):

Fulgent Genetics
Classification: Likely pathogenic for Joubert syndrome 20; Meckel syndrome, type 11. Last evaluated: 2024-03-08. Review status: criteria provided, single submitter. Criteria: ACMG Guidelines, 2015. Collection method: clinical testing. Allele origin: germline.

Labcorp Genetics (formerly Invitae), Labcorp
Classification: Likely pathogenic for Joubert syndrome 20; Meckel syndrome, type 11. Last evaluated: 2022-07-18. Review status: criteria provided, single submitter. Criteria: Invitae Variant Classification Sherloc (09022015). Collection method: clinical testing. Allele origin: germline.
Comment: This missense change has been observed in individual(s) with clinical features of Joubert syndrome (PMID: 27449316; Invitae). In at least one individual the data is consistent with being in trans (on the opposite chromosome) from a pathogenic variant. It has also been observed to segregate with disease in related individuals. This variant is present in population databases (rs774091057, gnomAD 0.009%). This sequence change replaces tryptophan, which is neutral and slightly polar, with glycine, which is neutral and non-polar, at codon 136 of the TMEM231 protein (p.Trp136Gly). ClinVar contains an entry for this variant (Variation ID: 1005050). In summary, the currently available evidence indicates that the variant is pathogenic, but additional data are needed to prove that conclusively. Therefore, this variant has been classified as Likely Pathogenic. Algorithms developed to predict the effect of missense changes on protein structure and function are either unavailable or do not agree on the potential impact of this missense change (SIFT: "Deleterious"; PolyPhen-2: "Not Available"; Align-GVGD: "Class C25").

Literature cited by the submitters: PubMed 27449316 (cited by Labcorp Genetics (formerly Invitae), Labcorp).